The following is an entry in ClinVar:

ClinVar aggregate classification (germline): Uncertain significance (1 of 4 stars; one submission).

Conditions:
Inborn genetic diseases. Identifiers: MedGen C0950123, MeSH D030342.

Submission:

Ambry Genetics
Classification: Uncertain significance for Inborn genetic diseases. Last evaluated: 2025-08-23. Review status: criteria provided, single submitter. Criteria: Ambry Variant Classification Scheme 2023. Collection method: clinical testing. Allele origin: germline.
Comment: The p.W367C variant (also known as c.1101G>T), located in coding exon 6 of the ERCC6L2 gene, results from a G to T substitution at nucleotide position 1101. The tryptophan at codon 367 is replaced by cysteine, an amino acid with highly dissimilar properties. This amino acid position is conserved. In addition, the in silico prediction for this alteration is inconclusive. Based on the available evidence, the clinical significance of this variant remains unclear.

NM_020207.7(ERCC6L2):c.1101G>T (p.Trp367Cys)

Gene: ERCC6L2 (ERCC excision repair 6 like 2; plus strand). Cytogenetic location: 9q22.32.
Variant type: single nucleotide variant.
Coding change: c.1101G>T on transcript NM_020207.7 (MANE Select); coding-DNA position 1101, G replaced by T.
Protein change: p.Trp367Cys; replaces tryptophan 367 with cysteine.
Molecular consequence: missense variant. On other transcripts: non-coding transcript variant (1).
Genome position (GRCh38, 1-based): chr9:95,916,377, G>T. VCF-style: chr9-95916377-G-T. GRCh37 (hg19) VCF-style: chr9-98678659-G-T.
Other names: c.1101G>T, p.Trp367Cys (NM_001010895.4, NM_001375291.1, NM_001375292.1 and 2 more transcripts); short protein forms W367C.
Identifiers: ClinVar variation 4250632 (VCV004250632.1).